The following is an entry in ClinVar:

ClinVar aggregate classification (germline): Pathogenic. Review status: criteria provided, multiple submitters, no conflicts (2 of 4 stars). 3 submissions from 3 submitters: Pathogenic (3). Last evaluated 2023-09-10.

Conditions:
Spinal muscular atrophy-progressive myoclonic epilepsy syndrome. Also called: Spinal muscular atrophy with progressive myoclonic epilepsy; Spinal Muscular Atrophy with Progressive Myoclonic Epilepsy (SMA-PME); MYOCLONUS, HEREDITARY, WITH PROGRESSIVE DISTAL MUSCULAR ATROPHY; Hereditary myoclonus and progressive distal muscular atrophy. Identifiers: Orphanet 2590, MedGen C1834569, MONDO:0008045, OMIM 159950.

Allele frequency attached by ClinVar (database versions not stated): gnomAD exomes below 0.00001; gnomAD 0.00001 and 0.00002; TOPMed 0.00002.
gnomAD v4.1: 9 of 1,613,948 alleles (0.00056%); highest among the groups gnomAD compares: Admixed American, 0.005%; no homozygotes.

Submissions (3):

Labcorp Genetics (formerly Invitae), Labcorp
Classification: Pathogenic. Last evaluated: 2023-09-10. Review status: criteria provided, single submitter. Criteria: Invitae Variant Classification Sherloc (09022015). Collection method: clinical testing. Allele origin: germline.
Comment: For these reasons, this variant has been classified as Pathogenic. ClinVar contains an entry for this variant (Variation ID: 812508). This premature translational stop signal has been observed in individual(s) with spinal muscular atrophy with progressive myoclonic epilepsy (PMID: 26526000). This variant is present in population databases (rs771847002, gnomAD 0.0009%). This sequence change creates a premature translational stop signal (p.Arg296*) in the ASAH1 gene. It is expected to result in an absent or disrupted protein product. Loss-of-function variants in ASAH1 are known to be pathogenic (PMID: 24164096, 24355074).

GeneDx
Classification: Pathogenic. Last evaluated: 2020-12-04. Review status: criteria provided, single submitter. Criteria: GeneDx Variant Classification Process June 2021. Collection method: clinical testing. Allele origin: germline. Affected: yes.
Comment: Nonsense variant predicted to result in protein truncation or nonsense mediated decay in a gene for which loss-of-function is a known mechanism of disease; Not observed at a significant frequency in large population cohorts (Lek et al., 2016); This variant is associated with the following publications: (PMID: 26526000, 30029679)

Medical Affairs, Dicerna Pharmaceuticals
Classification: Pathogenic for Spinal muscular atrophy-progressive myoclonic epilepsy syndrome. Last evaluated: 2019-07-01. Review status: criteria provided, single submitter. Criteria: ACMG Guidelines, 2015. Collection method: literature only. Allele origin: unknown. Inheritance: Autosomal recessive inheritance. Affected: yes. Observed: 1 variant allele.
Comment: Variant c.886C>T has been defined as pathogenic due to the patient phenotype, sequencing studies, and functional assays. The patient in Gan et al., 2015, DOI: 10.1016/j.nmd.2015.09.007, was diagnosed with SMA-PME (Gene Reviews). Two ASAH1 variants were identified. One variant was novel (c.886 C > T, p.Arg296Stop*), which introduced a premature stop codon in exon 11. This mutation had not been previously observed in approximately 6500 individuals in the NHLBI Exome Sequencing Project. The acid ceramidase activity in the proband's fibroblasts averaged 1.0 nmol/hÂ·mg, while that in two different control fibroblasts was 8.84 and 5.91; the enzyme activity in the mother's fibroblasts was 5.28. While the patient's ratio represented about 16% of that in two control fibroblasts, the mother's ratio was about 66%. A second independent assay noted similarly reduced acid ceramidase activity in the proband, but a lower activity in maternal cells. Thus, when combined and expressed as percentage of the control fibroblasts, the patient had 12% of normal acid ceramidase activity, while his mother had ~50% of normal activity.

Two ASAH1 variants were identified. One variant was novel (c.886 C > T, p.Arg296Stop*), which introduced a premature stop codon in exon 11. This mutation had not been previously observed in approximately 6500 individuals in the NHLBI Exome Sequencing Project. The other variant (c.456 A > C, p.Lys152Asn) had been previously associated with SMA-PME

Literature cited by the submitters: PubMed 26526000 (cited by Labcorp Genetics (formerly Invitae), Labcorp); PubMed 24164096 (cited by Labcorp Genetics (formerly Invitae), Labcorp); PubMed 24355074 (cited by Labcorp Genetics (formerly Invitae), Labcorp); DOI 10.1016/j.nmd.2015.09.007 (cited by Medical Affairs, Dicerna Pharmaceuticals).

NM_177924.5(ASAH1):c.886C>T (p.Arg296Ter)

Gene: ASAH1 (N-acylsphingosine amidohydrolase 1; minus strand). Cytogenetic location: 8p22.
Variant type: single nucleotide variant.
Coding change: c.886C>T on transcript NM_177924.5 (MANE Select); coding-DNA position 886, C replaced by T.
Protein change: p.Arg296Ter; replaces arginine 296 with a stop codon.
Molecular consequence: nonsense.
Genome position (GRCh38, 1-based): chr8:18,059,603, G>A on the plus strand (C>T on the coding strand, the complement: ASAH1 is on the minus strand). VCF-style: chr8-18059603-G-A. GRCh37 (hg19) VCF-style: chr8-17917112-G-A.
Other names: c.868C>T, p.Arg290Ter (NM_001127505.3); c.691C>T, p.Arg231Ter (NM_001363743.2); c.934C>T, p.Arg312Ter (NM_004315.6); short protein forms R231*, R290*, R296*, R312*.
Identifiers: ClinVar variation 812508 (VCV000812508.8), dbSNP rs771847002, ClinGen allele CA4650644.
Genomic context (GRCh38, chr8:18,059,603, plus strand): 5'-ACTTCTTTTGCTTTAACAAACCTACTTACTCATATACATCCAATGATTCCTTTCTGTCTC[G>A]TGTAATCACACAACCTTCCCCAGACTGGTTGCCTCCCAGGATAAAGTAGGCTGGGGCCAA-3'